The following is an entry in ClinVar:

NM_000977.4(RPL13):c.578G>T (p.Gly193Val)

Gene: RPL13 (ribosomal protein L13; plus strand). Cytogenetic location: 16q24.3.
Variant type: single nucleotide variant.
Coding change: c.578G>T on transcript NM_000977.4 (MANE Select); coding-DNA position 578, G replaced by T.
Protein change: p.Gly193Val; replaces glycine 193 with valine.
Molecular consequence: missense variant.
Genome position (GRCh38, 1-based): chr16:89,562,984, G>T. VCF-style: chr16-89562984-G-T. GRCh37 (hg19) VCF-style: chr16-89629392-G-T.
Other names: c.437G>T, p.Gly146Val (NM_001243131.1); c.578G>T, p.Gly193Val (NM_033251.2); short protein forms G146V, G193V.
Identifiers: ClinVar variation 4883289 (VCV004883289.2).

ClinVar aggregate classification (germline): Uncertain significance (1 of 4 stars; one submission).

Conditions:
Spondyloepimetaphyseal dysplasia, Isidor-Toutain type. Identifiers: MedGen C5231478, MONDO:0032885, OMIM 618728.

Submission:

Dasa
Classification: Uncertain significance for Spondyloepimetaphyseal dysplasia, Isidor-Toutain type. Last evaluated: 2025-12-12. Review status: criteria provided, single submitter. Criteria: DASA Assertion Criteria. Collection method: clinical testing. Allele origin: germline.
Comment: NM_000977.4(RPL13):c.578G>T (p.Gly193Val) is a missense variant that results in the substitution of glycine with valine. This variant is absent from population databases. The currently available literature and clinical evidence are not sufficient to establish a definitive association between this variant and the reported condition. Therefore, this variant is classified as a variant of uncertain significance.